The following is an entry in ClinVar:

ClinVar aggregate classification (germline): Uncertain significance (1 of 4 stars; one submission).

Conditions:
Ataxia - intellectual disability - oculomotor apraxia - cerebellar cysts syndrome. Also called: Poretti-Boltshauser syndrome. Identifiers: Orphanet 370022, MedGen C4014821, MONDO:0014419, OMIM 615960.

gnomAD v4.1: 1 of 1,614,084 alleles (0.000062%); highest among the groups gnomAD compares: African/African-American, 0.0013%; no homozygotes.

Submission:

Juno Genomics, Hangzhou Juno Genomics, Inc
Classification: Uncertain significance for Ataxia - intellectual disability - oculomotor apraxia - cerebellar cysts syndrome. Review status: criteria provided, single submitter. Criteria: ACMG Guidelines, 2015. Collection method: clinical testing. Allele origin: germline.
Comment: Absent from controls (or at extremely low frequency if recessive) in Genome Aggregation Database.;Multiple lines of computational evidence support a deleterious effect on the gene or gene product.

NM_005559.4(LAMA1):c.1499G>A (p.Cys500Tyr)

Genes: LAMA1 (laminin subunit alpha 1; minus strand), LOC112543434 (P300/CBP strongly-dependent group 1 enhancer GRCh37_chr18:7038146-7039345; plus strand). Cytogenetic location: 18p11.31.
Variant type: single nucleotide variant.
Coding change: c.1499G>A on transcript NM_005559.4 (MANE Select); coding-DNA position 1499, G replaced by A.
Protein change: p.Cys500Tyr; replaces cysteine 500 with tyrosine.
Molecular consequence: missense variant.
Genome position (GRCh38, 1-based): chr18:7,038,874, C>T on the plus strand (G>A on the coding strand, the complement: LAMA1 is on the minus strand). VCF-style: chr18-7038874-C-T. GRCh37 (hg19) VCF-style: chr18-7038873-C-T.
Other names: short protein forms C500Y.
Identifiers: ClinVar variation 5005911 (VCV005005911.2).